The following is an entry in ClinVar:

NM_004360.5(CDH1):c.336C>T (p.Thr112=)

Gene: CDH1 (cadherin 1; plus strand). Cytogenetic location: 16q22.1.
Variant type: single nucleotide variant.
Coding change: c.336C>T on transcript NM_004360.5 (MANE Select); coding-DNA position 336, C replaced by T.
Protein change: p.Thr112=; no amino-acid change (threonine 112 retained).
Molecular consequence: synonymous variant. On other transcripts: 5 prime UTR variant (2).
Genome position (GRCh38, 1-based): chr16:68,801,842, C>T. VCF-style: chr16-68801842-C-T. GRCh37 (hg19) VCF-style: chr16-68835745-C-T.
Other names: c.336C>T, p.Thr112= (NM_001317184.2); c.-1280C>T (NM_001317185.2); c.-1484C>T (NM_001317186.2).
Identifiers: ClinVar variation 3378717 (VCV003378717.1).

ClinVar aggregate classification (germline): Benign (1 of 4 stars; one submission).

Conditions:
Hereditary diffuse gastric adenocarcinoma (HDGC). Also called: DIFFUSE GASTRIC AND LOBULAR BREAST CANCER SYNDROME. Identifiers: Orphanet 26106, MedGen C1708349, MONDO:0007648, OMIM 137215.

Submission:

Myriad Genetics, Inc.
Classification: Benign for Hereditary diffuse gastric adenocarcinoma. Last evaluated: 2024-09-12. Review status: criteria provided, single submitter. Criteria: Myriad Autosomal Dominant, Autosomal Recessive and X-Linked Classification Criteria (2023). Collection method: clinical testing. Allele origin: unknown.
Comment: This variant is considered benign. This variant is a silent/synonymous amino acid change and it is not expected to impact splicing.